The following is an entry in ClinVar:

ClinVar aggregate classification (germline): Pathogenic/Likely pathogenic. Review status: criteria provided, multiple submitters, no conflicts (2 of 4 stars). 2 submissions from 2 submitters: Pathogenic (1); Likely pathogenic (1). Last evaluated 2025-04-15.

Conditions:
autosomal dominant COL1A1-related osteogenesis imperfecta.
Osteogenesis imperfecta type III (OI3). Also called: Osteogenesis imperfecta type 3; OI type 3; Osteogenesis imperfecta, progressively deforming with normal sclerae; OI type III; Progressively Deforming Osteogenesis Imperfecta. Identifiers: Orphanet 216812, Orphanet 666, MedGen C0268362, MONDO:0009804, OMIM 259420.

Submissions (2):

Variantyx, Inc.
Classification: Pathogenic for autosomal dominant COL1A1-related osteogenesis imperfecta. Last evaluated: 2025-04-15. Review status: criteria provided, single submitter. Criteria: Variantyx Assertion Criteria 2022. Collection method: clinical testing. Allele origin: de novo. Inheritance: Autosomal dominant inheritance. Affected: yes.
Comment: This is a nonsynonymous variant in the COL1A1 gene (OMIM: 120150). Pathogenic variants in this gene have been associated with autosomal dominant COL1A1-related osteogenesis imperfecta. It has been previously reported in at least one unrelated affected individual (PMID: 27519266) (PS4_Moderate). Multiple computational algorithms predict a deleterious effect for this variant (REVEL score: 0.995) (PP3), and the alteration lies within a known hotspot for pathogenic variants or a well-established critical functional domain of the COL1A1 protein (PMID: 28098982, 17078022) (PM1_Strong). This variant is absent from control populations (PM2). Based on the current evidence, this variant is classified as pathogenic for autosomal dominant COL1A1-related osteogenesis imperfecta.

3billion
Classification: Likely pathogenic for Osteogenesis imperfecta type III. Last evaluated: 2023-09-24. Review status: criteria provided, single submitter. Criteria: ACMG Guidelines, 2015. Collection method: clinical testing. Allele origin: germline. Affected: yes.
Comment: The variant is not observed in the gnomAD v2.1.1 dataset. Predicted Consequence/Location: Missense changes are a common disease-causing mechanism. In silico tool predictions suggest damaging effect of the variant on gene or gene product [REVEL: 0.99 (>=0.6, sensitivity 0.68 and specificity 0.92); 3Cnet: 1.00 (>=0.6, sensitivity 0.72 and precision 0.9)]. Same nucleotide change resulting in same amino acid change has been previously reported to be associated with COL1A1 related disorder (PMID: 27519266). Different missense changes at the same codon (p.Gly311Arg, p.Gly311Asp) have been reported to be associated with COL1A1 related disorder (ClinVar ID: VCV001410496 /PMID: 11317364, 17078022). Therefore, this variant is classified as Likely pathogenic according to the recommendation of ACMG/AMP guideline.

Literature cited by the submitters: PubMed 27519266 (cited by Variantyx, Inc. and 3billion); PubMed 28098982 (cited by Variantyx, Inc.); PubMed 17078022 (cited by Variantyx, Inc.); PubMed 11317364 (cited by 3billion).

NM_000088.4(COL1A1):c.932G>T (p.Gly311Val)

Gene: COL1A1 (collagen type I alpha 1 chain; minus strand). Cytogenetic location: 17q21.33.
Variant type: single nucleotide variant.
Coding change: c.932G>T on transcript NM_000088.4 (MANE Select); coding-DNA position 932, G replaced by T.
Protein change: p.Gly311Val; replaces glycine 311 with valine.
Molecular consequence: missense variant.
Genome position (GRCh38, 1-based): chr17:50,196,339, C>A on the plus strand (G>T on the coding strand, the complement: COL1A1 is on the minus strand). VCF-style: chr17-50196339-C-A. GRCh37 (hg19) VCF-style: chr17-48273700-C-A.
Other names: short protein forms G311V.
Identifiers: ClinVar variation 3776259 (VCV003776259.2).